The following is an entry in ClinVar:

ClinVar aggregate classification (germline): Uncertain significance. Review status: criteria provided, multiple submitters, no conflicts (2 of 4 stars). 2 submissions from 2 submitters: Uncertain significance (2). Last evaluated 2025-04-30.

Allele frequency attached by ClinVar (database versions not stated): gnomAD exomes 0.00001.
gnomAD v4.1: 12 of 1,614,162 alleles (0.00074%); highest among the groups gnomAD compares: Non-Finnish European, 0.001%; no homozygotes.

Submissions (2):

Ambry Genetics
Classification: Uncertain significance. Last evaluated: 2025-04-30. Review status: criteria provided, single submitter. Criteria: Ambry Variant Classification Scheme 2023. Collection method: clinical testing. Allele origin: germline.

Labcorp Genetics (formerly Invitae), Labcorp
Classification: Uncertain significance. Last evaluated: 2024-08-12. Review status: criteria provided, single submitter. Criteria: Invitae Variant Classification Sherloc (09022015). Collection method: clinical testing. Allele origin: germline.
Comment: This sequence change replaces aspartic acid, which is acidic and polar, with glycine, which is neutral and non-polar, at codon 280 of the GALNT12 protein (p.Asp280Gly). This variant is not present in population databases (gnomAD no frequency). This variant has not been reported in the literature in individuals affected with GALNT12-related conditions. ClinVar contains an entry for this variant (Variation ID: 1763208). Advanced modeling of protein sequence and biophysical properties (such as structural, functional, and spatial information, amino acid conservation, physicochemical variation, residue mobility, and thermodynamic stability) performed at Invitae indicates that this missense variant is not expected to disrupt GALNT12 protein function with a negative predictive value of 80%. In summary, the available evidence is currently insufficient to determine the role of this variant in disease. Therefore, it has been classified as a Variant of Uncertain Significance.

NM_024642.5(GALNT12):c.839A>G (p.Asp280Gly)

Gene: GALNT12 (polypeptide N-acetylgalactosaminyltransferase 12; plus strand). Cytogenetic location: 9q22.33.
Variant type: single nucleotide variant.
Coding change: c.839A>G on transcript NM_024642.5 (MANE Select); coding-DNA position 839, A replaced by G.
Protein change: p.Asp280Gly; replaces aspartic acid 280 with glycine.
Molecular consequence: missense variant.
Genome position (GRCh38, 1-based): chr9:98,831,879, A>G. VCF-style: chr9-98831879-A-G. GRCh37 (hg19) VCF-style: chr9-101594161-A-G.
Other names: short protein forms D280G.
Identifiers: ClinVar variation 1763208 (VCV001763208.9), dbSNP rs2490517966, ClinGen allele CA374218115.
Genomic context (GRCh38, chr9:98,831,879, plus strand): 5'-TCGACTGGAACACCTTCGAATACCTGGGGAACTCCGGGGAGCCCCAGATCGGCGGTTTCG[A>G]CTGGAGGCTGGTGTTCACGTGGCACACAGTTCCTGAGAGGGAGAGGATACGGATGCAATC-3'
Protein context (NP_078918.3, residues 270-290): NSGEPQIGGF[Asp280Gly]WRLVFTWHTV